The following is an entry in ClinVar:

NM_004795.4(KL):c.233dup (p.Gly79fs)

Gene: KL (klotho; plus strand). Cytogenetic location: 13q13.1.
Variant type: Duplication.
Coding change: c.233dup on transcript NM_004795.4 (MANE Select); coding-DNA position 233, one base duplicated (G; older notation c.233dupG).
Protein change: p.Gly79fs; shifts the reading frame from glycine 79.
Molecular consequence: frameshift variant.
Genome position (GRCh38, 1-based): chr13:33,016,673, G duplicated; the last of 3 consecutive G bases (chr13:33,016,671-33,016,673); duplicating any one gives the same sequence. VCF-style (leftmost placement, unchanged base first): chr13-33016670-A-AG. GRCh37 (hg19) VCF-style: chr13-33590808-A-AG.
Other names: short protein forms G79fs.
Identifiers: ClinVar variation 4769351 (VCV004769351.1).
Genomic context (GRCh38, chr13:33,016,670, plus strand): 5'-TCCAGGGCACCTTCCCCGACGGCTTCCTCTGGGCCGTGGGCAGCGCCGCCTACCAGACCG[A>AG]GGGCGGCTGGCAGCAGCACGGCAAGGGTGCGTCCATCTGGGATACGTTCACCCACCACCC-3'

ClinVar aggregate classification (germline): Uncertain significance (1 of 4 stars; one submission).

Submission:

Labcorp Genetics (formerly Invitae), Labcorp
Classification: Uncertain significance. Last evaluated: 2025-06-03. Review status: criteria provided, single submitter. Criteria: Invitae Variant Classification Sherloc (09022015). Collection method: clinical testing. Allele origin: germline.
Comment: This sequence change creates a premature translational stop signal (p.Gly79Argfs*256) in the KL gene. It is expected to result in an absent or disrupted protein product. However, the current clinical and genetic evidence is not sufficient to establish whether loss-of-function variants in KL cause disease. This variant is not present in population databases (gnomAD no frequency). This variant has not been reported in the literature in individuals affected with KL-related conditions. In summary, the available evidence is currently insufficient to determine the role of this variant in disease. Therefore, it has been classified as a Variant of Uncertain Significance.